The following is an entry in ClinVar:

ClinVar aggregate classification (germline): Likely benign. Review status: reviewed by expert panel (3 of 4 stars). 3 submissions from 3 submitters: Likely benign (1). 2 of the submissions do not count toward it. Last evaluated 2017-06-29.

Conditions:
Hereditary breast ovarian cancer syndrome. Also called: Hereditary breast and/or ovarian cancer syndrome; BRCA1- and BRCA2-Associated Hereditary Breast and Ovarian Cancer; Hereditary breast and ovarian cancer syndrome; Breast and ovarian cancer; Hereditary breast and ovarian cancer; Hereditary breast and ovarian cancer syndrome (HBOC). Identifiers: Orphanet 145, MedGen C0677776, MeSH D061325, MONDO:0003582. Disease mechanism: loss of function.
Breast-ovarian cancer, familial, susceptibility to, 2 (BROVCA2). Also called: BRCA2 Hereditary Breast and Ovarian Cancer. Identifiers: Orphanet 145, MedGen C2675520, MONDO:0012933, OMIM 612555. Disease mechanism: loss of function.
Hereditary cancer-predisposing syndrome. Also called: Neoplastic Syndromes, Hereditary; Hereditary neoplastic syndrome; Hereditary Cancer Syndrome; Tumor predisposition. Identifiers: Orphanet 140162, MedGen C0027672, MeSH D009386, MONDO:0015356.

Allele frequency attached by ClinVar (database versions not stated): gnomAD 0.00001; 1000 Genomes Project 30x 0.00016; 1000 Genomes Project 0.00020.
gnomAD v4.1: 1 of 1,593,302 alleles (0.000063%); highest among the groups gnomAD compares: Admixed American, 0.0017%; no homozygotes.

Submissions (3):

Evidence-based Network for the Interpretation of Germline Mutant Alleles (ENIGMA)
Classification: Likely benign for Breast-ovarian cancer, familial, susceptibility to, 2. Last evaluated: 2017-06-29. Review status: reviewed by expert panel. Criteria: ENIGMA BRCA1/2 Classification Criteria (2017-06-29). Collection method: curation. Allele origin: germline.
Comment: Synonymous substitution variant, with low bioinformatic likelihood to result in a splicing aberration (Splicing prior probability 0.02).

Ambry Genetics
Classification: Likely benign for Hereditary cancer-predisposing syndrome. Last evaluated: 2026-07-06. Review status: criteria provided, single submitter. Criteria: Ambry Variant Classification Scheme 2023. Collection method: clinical testing. Allele origin: germline. Not counted in ClinVar's aggregate classification.

Labcorp Genetics (formerly Invitae), Labcorp
Classification: Likely benign for Hereditary breast ovarian cancer syndrome. Last evaluated: 2021-03-29. Review status: criteria provided, single submitter. Criteria: Invitae Variant Classification Sherloc (09022015). Collection method: clinical testing. Allele origin: germline. Not counted in ClinVar's aggregate classification.

NM_000059.4(BRCA2):c.4326A>G (p.Ser1442=)

Gene: BRCA2 (BRCA2 DNA repair associated; plus strand). Cytogenetic location: 13q13.1.
Variant type: single nucleotide variant.
Coding change: c.4326A>G on transcript NM_000059.4 (MANE Select); coding-DNA position 4326, A replaced by G.
Protein change: p.Ser1442=; no amino-acid change (serine 1442 retained).
Molecular consequence: synonymous variant.
Genome position (GRCh38, 1-based): chr13:32,338,681, A>G. VCF-style: chr13-32338681-A-G. GRCh37 (hg19) VCF-style: chr13-32912818-A-G.
Identifiers: ClinVar variation 427492 (VCV000427492.13), dbSNP rs528810278, ClinGen allele CA247507538.